The following is an entry in ClinVar:

NM_015512.5(DNAH1):c.11162T>C (p.Ile3721Thr)

Gene: DNAH1 (dynein axonemal heavy chain 1; plus strand). Cytogenetic location: 3p21.1.
Variant type: single nucleotide variant.
Coding change: c.11162T>C on transcript NM_015512.5 (MANE Select); coding-DNA position 11162, T replaced by C.
Protein change: p.Ile3721Thr; replaces isoleucine 3721 with threonine.
Molecular consequence: missense variant.
Genome position (GRCh38, 1-based): chr3:52,395,581, T>C. VCF-style: chr3-52395581-T-C. GRCh37 (hg19) VCF-style: chr3-52429597-T-C.
Other names: short protein forms I3721T.
Identifiers: ClinVar variation 2155480 (VCV002155480.1), dbSNP rs1201041664, ClinGen allele CA2436084.

ClinVar aggregate classification (germline): Uncertain significance (1 of 4 stars; one submission).

Conditions:
Spermatogenic failure 18. Identifiers: MedGen C4539783, MONDO:0054615, OMIM 617576.
Ciliary dyskinesia, primary, 37 (CILD37). Also called: CILIARY DYSKINESIA, PRIMARY, 37, WITH OR WITHOUT SITUS INVERSUS. Identifiers: MedGen C4539798, MONDO:0033204, OMIM 617577.

Allele frequency attached by ClinVar (database versions not stated): ExAC 0.00001; gnomAD 0.00002; gnomAD exomes 0.00002; TOPMed 0.00002.
gnomAD v4.1: 25 of 1,613,628 alleles (0.0015%); highest among the groups gnomAD compares: African/African-American, 0.0027%; no homozygotes.

Submission:

Labcorp Genetics (formerly Invitae), Labcorp
Classification: Uncertain significance for Ciliary dyskinesia, primary, 37; Spermatogenic failure 18. Last evaluated: 2022-06-09. Review status: criteria provided, single submitter. Criteria: Invitae Variant Classification Sherloc (09022015). Collection method: clinical testing. Allele origin: germline.
Comment: This sequence change replaces isoleucine, which is neutral and non-polar, with threonine, which is neutral and polar, at codon 3721 of the DNAH1 protein (p.Ile3721Thr). This variant is present in population databases (no rsID available, gnomAD 0.004%). This variant has not been reported in the literature in individuals affected with DNAH1-related conditions. Algorithms developed to predict the effect of missense changes on protein structure and function are either unavailable or do not agree on the potential impact of this missense change (SIFT: "Deleterious"; PolyPhen-2: "Benign"; Align-GVGD: "Class C0"). In summary, the available evidence is currently insufficient to determine the role of this variant in disease. Therefore, it has been classified as a Variant of Uncertain Significance.